The following is an entry in ClinVar:

NM_001754.5(RUNX1):c.985G>A (p.Ala329Thr)

Gene: RUNX1 (RUNX family transcription factor 1; minus strand). Cytogenetic location: 21q22.12.
Variant type: single nucleotide variant.
Coding change: c.985G>A on transcript NM_001754.5 (MANE Select); coding-DNA position 985, G replaced by A.
Protein change: p.Ala329Thr; replaces alanine 329 with threonine.
Molecular consequence: missense variant.
Genome position (GRCh38, 1-based): chr21:34,792,593, C>T on the plus strand (G>A on the coding strand, the complement: RUNX1 is on the minus strand). VCF-style: chr21-34792593-C-T. GRCh37 (hg19) VCF-style: chr21-36164890-C-T.
Other names: c.985G>A (NM_001754.4); c.904G>A, p.Ala302Thr (NM_001001890.3); short protein forms A329T, A302T.
Identifiers: ClinVar variation 464015 (VCV000464015.11), dbSNP rs1415582429, ClinGen allele CA410148791.
Genomic context (GRCh38, chr21:34,792,593, plus strand): 5'-AGTGCATGCGGGGGTCGGAGATGGAGGGCAGCGCGGGGAACTGGCGCGGGTCGCTGAACG[C>T]TGTCAGGTCGGGTGCCGCTGCAGGGCGGGCAAGAGAACGGAGCGGAAGTGAGTAGGAGGT-3'
Protein context (NP_001745.2, residues 319-339): SRLSTAPDLT[Ala329Thr]FSDPRQFPAL

ClinVar aggregate classification (germline): Likely benign. Review status: reviewed by expert panel (3 of 4 stars). 4 submissions from 4 submitters: Likely benign (1). 3 of the submissions do not count toward it. Last evaluated 2020-05-13.

Conditions:
Hereditary thrombocytopenia and hematologic cancer predisposition syndrome. Identifiers: Orphanet 71290, MedGen CN281654, MONDO:0011071.
Inborn genetic diseases. Identifiers: MedGen C0950123, MeSH D030342.
Hereditary thrombocytopenia and hematological cancer predisposition syndrome associated with RUNX1. Also called: Familial thrombocytopenia with propensity to acute myelogenous leukemia; RUNX1 Familial Platelet Disorder with Associated Myeloid Malignancies; Familial Platelet Disorder with Propensity to Acute Myelogenous Leukemia; PLATELET DISORDER, ASPIRIN-LIKE. Identifiers: Orphanet 71290, MedGen C1832388, MeSH C563324, MONDO:0100083, OMIM 601399.
Acute myeloid leukemia (AML). Also called: Leukemia, acute myeloid, somatic; Leukemia, acute myelogenous, somatic; Acute myeloid leukemia, adult; AML adult; Acute non-lymphocytic leukemia; Acute granulocytic leukemia. Identifiers: Orphanet 519, MedGen C0023467, MeSH D015470, MONDO:0018874, OMIM 601626, HP:0004808. Disease mechanism: Constitutively activated FLT3.

Allele frequency attached by ClinVar (database versions not stated): gnomAD 0.00002; gnomAD exomes 0.00002 and 0.00004; TOPMed 0.00002.
gnomAD v4.1: 12 of 1,595,910 alleles (0.00075%); highest among the groups gnomAD compares: Admixed American, 0.021%; no homozygotes.

Submissions (4):

ClinGen Myeloid Malignancy Variant Curation Expert Panel
Classification: Likely benign for Hereditary thrombocytopenia and hematologic cancer predisposition syndrome. Last evaluated: 2020-05-13. Review status: reviewed by expert panel. Criteria: ClinGen MyeloMalig ACMG Specifications v1. Collection method: curation. Allele origin: germline. Inheritance: Autosomal dominant inheritance.
Comment: The NM_001754.4:c.985G>A variant that results in a Ala329Thr missense change has an MAF of 0.0002825 (0.02%, 9/21854 alleles) in the Latino subpopulation of the gnomAD v2.1.1 cohort, which is between 0.00015 (0.015%) and 0.0015 (0.15%) (BS1). This missense variant has a REVEL score <0.15 (0.067) and splicing tools predict no splicing impact (BP4). The variant has not been reported in patients with familial platelet disorder with predisposition to hematologic malignancies in the literature, to the best of our knowledge. In summary, this variant meets criteria to be classified as likely benign. ACMG/AMP criteria applied, as specified by the Myeloid Malignancy Variant Curation Expert Panel for RUNX1: BS1, BP4.

Labcorp Genetics (formerly Invitae), Labcorp
Classification: Uncertain significance for Hereditary thrombocytopenia and hematological cancer predisposition syndrome associated with RUNX1. Last evaluated: 2025-06-15. Review status: criteria provided, single submitter. Criteria: Invitae Variant Classification Sherloc (09022015). Collection method: clinical testing. Allele origin: germline. Not counted in ClinVar's aggregate classification.
Comment: This sequence change replaces alanine, which is neutral and non-polar, with threonine, which is neutral and polar, at codon 329 of the RUNX1 protein (p.Ala329Thr). This variant is present in population databases (no rsID available, gnomAD 0.02%). This variant has not been reported in the literature in individuals affected with RUNX1-related conditions. ClinVar contains an entry for this variant (Variation ID: 464015). Invitae Evidence Modeling of protein sequence and biophysical properties (such as structural, functional, and spatial information, amino acid conservation, physicochemical variation, residue mobility, and thermodynamic stability) has been performed for this missense variant. However, the output from this modeling did not meet the statistical confidence thresholds required to predict the impact of this variant on RUNX1 protein function. In summary, the available evidence is currently insufficient to determine the role of this variant in disease. Therefore, it has been classified as a Variant of Uncertain Significance.

Ambry Genetics
Classification: Uncertain significance for Inborn genetic diseases. Last evaluated: 2024-12-19. Review status: criteria provided, single submitter. Criteria: Ambry Variant Classification Scheme 2023. Collection method: clinical testing. Allele origin: germline. Not counted in ClinVar's aggregate classification.
Comment: The p.A329T variant (also known as c.985G>A), located in coding exon 8 of the RUNX1 gene, results from a G to A substitution at nucleotide position 985. The alanine at codon 329 is replaced by threonine, an amino acid with similar properties. In one functional study, this variant was found to have levels of transcriptional activity that were similar to wild-type (Li Y et al. J Clin Invest, 2021 Jun;131:). This amino acid position is well conserved in available vertebrate species. In addition, this alteration is predicted to be tolerated by in silico analysis. Based on the available evidence, the clinical significance of this variant remains unclear.

Fulgent Genetics
Classification: Uncertain significance for Hereditary thrombocytopenia and hematological cancer predisposition syndrome associated with RUNX1; Acute myeloid leukemia. Last evaluated: 2024-05-02. Review status: criteria provided, single submitter. Criteria: ACMG Guidelines, 2015. Collection method: clinical testing. Allele origin: germline. Not counted in ClinVar's aggregate classification.

Literature cited by the submitters: PubMed 34166225 (cited by Ambry Genetics).